The following is an entry in ClinVar:

ClinVar aggregate classification (germline): Benign/Likely benign. Review status: criteria provided, multiple submitters, no conflicts (2 of 4 stars). 9 submissions from 8 submitters: Benign (8); Likely benign (1). Last evaluated 2026-02-04.

Conditions:
Retinitis pigmentosa and erythrocytic microcytosis (RPEM). Identifiers: MedGen C4310776, MONDO:0014850, OMIM 616959.
Congenital sideroblastic anemia-B-cell immunodeficiency-periodic fever-developmental delay syndrome. Also called: Sideroblastic anemia with B-cell immunodeficiency, periodic fevers, and developmental delay. Identifiers: Orphanet 369861, MedGen C4015172, MONDO:0014487, OMIM 616084.

Allele frequency attached by ClinVar (database versions not stated): 1000 Genomes Project 0.40076; 1000 Genomes Project 30x 0.40256; TOPMed 0.51547; gnomAD 0.52979 and 0.53660; gnomAD exomes 0.54262 and 0.61495; ExAC 0.54300; ESP Exome Variant Server 0.58034.
gnomAD v4.1: 968,888 of 1,597,412 alleles (61%); highest among the groups gnomAD compares: Middle Eastern, 68%; 304,705 homozygotes.

Submissions (9):

Labcorp Genetics (formerly Invitae), Labcorp
Classification: Benign for Congenital sideroblastic anemia-B-cell immunodeficiency-periodic fever-developmental delay syndrome. Last evaluated: 2026-02-04. Review status: criteria provided, single submitter. Criteria: Invitae Variant Classification Sherloc (09022015). Collection method: clinical testing. Allele origin: germline.

Women's Health and Genetics/Laboratory Corporation of America, LabCorp
Classification: Benign. Last evaluated: 2026-01-21. Review status: criteria provided, single submitter. Criteria: LabCorp Variant Classification Summary - May 2015. Collection method: clinical testing. Allele origin: germline.

Blueprint Genetics
Classification: Likely benign. Last evaluated: 2024-11-26. Review status: criteria provided, single submitter. Criteria: ACMG Guidelines, 2015. Collection method: clinical testing. Allele origin: germline.

Unidad de Genómica Garrahan, Hospital de Pediatría Garrahan
Classification: Benign. Last evaluated: 2024-01-24. Review status: criteria provided, single submitter. Criteria: ACMG Guidelines, 2015. Collection method: clinical testing. Allele origin: germline. Affected: no. Observed: 56 variant alleles.
Comment: This variant is classified as Benign based on local population frequency. This variant was detected in 59% of patients studied by a panel of primary immunodeficiencies. Number of patients: 56. Only high quality variants are reported.

Genome-Nilou Lab
Classification: Benign for Retinitis pigmentosa and erythrocytic microcytosis. Last evaluated: 2021-09-10. Review status: criteria provided, single submitter. Criteria: ACMG Guidelines, 2015. Collection method: clinical testing. Allele origin: germline. Affected: no.

Genome-Nilou Lab
Classification: Benign for Congenital sideroblastic anemia-B-cell immunodeficiency-periodic fever-developmental delay syndrome. Last evaluated: 2021-09-10. Review status: criteria provided, single submitter. Criteria: ACMG Guidelines, 2015. Collection method: clinical testing. Allele origin: germline. Affected: no.

Laboratory for Molecular Medicine, Mass General Brigham Personalized Medicine
Classification: Benign. Last evaluated: 2016-03-29. Review status: criteria provided, single submitter. Criteria: LMM Criteria. Collection method: clinical testing. Allele origin: germline.
Comment: Variant identified in a genome or exome case(s) and assessed due to predicted null impact of the variant or pathogenic assertions in the literature or databases. Disclaimer: This variant has not undergone full assessment. The following are preliminary notes: Frequency

GeneDx
Classification: Benign. Last evaluated: 2015-12-02. Review status: criteria provided, single submitter. Criteria: GeneDx Variant Classification (06012015). Collection method: clinical testing. Allele origin: germline. Affected: yes.
Comment: This variant is considered likely benign or benign based on one or more of the following criteria: it is a conservative change, it occurs at a poorly conserved position in the protein, it is predicted to be benign by multiple in silico algorithms, and/or has population frequency not consistent with disease.

Breakthrough Genomics
Classification: Benign. Review status: criteria provided, single submitter. Criteria: ACMG Guidelines, 2015. Collection method: not provided. Allele origin: germline. Inheritance: Autosomal recessive inheritance. Affected: yes.

NM_182916.3(TRNT1):c.1056+11A>G

Gene: TRNT1 (tRNA nucleotidyl transferase 1; plus strand). Cytogenetic location: 3p26.2.
Variant type: single nucleotide variant.
Coding change: c.1056+11A>G on transcript NM_182916.3 (MANE Select); 11 bases into the intron after coding-DNA position 1056, A replaced by G.
Molecular consequence: intron variant.
Genome position (GRCh38, 1-based): chr3:3,147,714, A>G. VCF-style: chr3-3147714-A-G. GRCh37 (hg19) VCF-style: chr3-3189398-A-G.
Other names: c.1056+11A>G (NM_001367321.1, NM_001367323.1, NM_001367322.1); c.996+11A>G (NM_001302946.2).
Identifiers: ClinVar variation 380146 (VCV000380146.19), dbSNP rs1669348, ClinGen allele CA2228860.